The following is an entry in ClinVar:

NM_213720.3(CHCHD10):c.262-11T>A

Gene: CHCHD10 (coiled-coil-helix-coiled-coil-helix domain containing 10; minus strand). Cytogenetic location: 22q11.23.
Variant type: single nucleotide variant.
Coding change: c.262-11T>A on transcript NM_213720.3 (MANE Select); 11 bases into the intron before coding-DNA position 262, T replaced by A.
Molecular consequence: intron variant. On other transcripts: missense variant (1).
Genome position (GRCh38, 1-based): chr22:23,766,286, A>T on the plus strand (T>A on the coding strand, the complement: CHCHD10 is on the minus strand). VCF-style: chr22-23766286-A-T. GRCh37 (hg19) VCF-style: chr22-24108473-A-T.
Other names: c.272T>A, p.Leu91Gln (NM_001301339.2); short protein forms L91Q.
Identifiers: ClinVar variation 2046456 (VCV002046456.5), dbSNP rs1293883249, ClinGen allele CA410915397.

ClinVar aggregate classification (germline): Uncertain significance (1 of 4 stars; one submission).

Conditions:
Lower motor neuron syndrome with late-adult onset (SMAJ). Also called: Spinal muscular atrophy, Jokela type; Late-Onset Spinal Motor Neuronopathy (SMAJ). Identifiers: Orphanet 276435, MedGen C3554398, MONDO:0014025, OMIM 615048.
Frontotemporal dementia and/or amyotrophic lateral sclerosis 2. Also called: FTDALS2. Identifiers: Orphanet 275872, MedGen C4014648, MONDO:0014395, OMIM 615911.
Autosomal dominant mitochondrial myopathy with exercise intolerance (IMMD). Also called: Myopathy, isolated mitochondrial, autosomal dominant. Identifiers: Orphanet 457050, MedGen C4015513, MONDO:0014532, OMIM 616209.

Allele frequency attached by ClinVar (database versions not stated): gnomAD 0.00002; TOPMed 0.00002.
gnomAD v4.1: 18 of 1,543,076 alleles (0.0012%); highest among the groups gnomAD compares: Middle Eastern, 0.023%; no homozygotes.

Submissions (2):

Labcorp Genetics (formerly Invitae), Labcorp
Classification: Uncertain significance for Lower motor neuron syndrome with late-adult onset; Frontotemporal dementia and/or amyotrophic lateral sclerosis 2; Autosomal dominant mitochondrial myopathy with exercise intolerance. Last evaluated: 2025-08-20. Review status: criteria provided, single submitter. Criteria: Invitae Variant Classification Sherloc (09022015). Collection method: clinical testing. Allele origin: germline.
Comment: This sequence change falls in intron 2 of the CHCHD10 gene. It does not directly change the encoded amino acid sequence of the CHCHD10 protein. This variant is present in population databases (no rsID available, gnomAD 0.002%). This variant has not been reported in the literature in individuals affected with CHCHD10-related conditions. ClinVar contains an entry for this variant (Variation ID: 2046456). Algorithms developed to predict the effect of sequence changes on RNA splicing suggest that this variant may disrupt the consensus splice site. In summary, the available evidence is currently insufficient to determine the role of this variant in disease. Therefore, it has been classified as a Variant of Uncertain Significance.

Dr. Peter K. Rogan Lab, Western University
No classification provided (evidence only). Condition: Cervical cancer. Review status: no classification provided. Collection method: in vitro. Allele origin: not applicable. Functional consequence: retained intron. Not counted in ClinVar's aggregate classification.